The following is an entry in ClinVar:

ClinVar aggregate classification (germline): Uncertain significance (1 of 4 stars; one submission).

Conditions:
Symmetrical dyschromatosis of extremities (DSH). Also called: RETICULATE ACROPIGMENTATION OF DOHI; SYMMETRIC DYSCHROMATOSIS OF THE EXTREMITIES; Dyschromatosis symmetrica hereditaria; DYSCHROMATOSIS SYMMETRICA HEREDITARIA 1. Identifiers: Orphanet 41, MedGen C0406775, MONDO:0007483, OMIM 127400.
Aicardi-Goutieres syndrome 6 (AGS6). Identifiers: Orphanet 51, MedGen C3539013, MONDO:0014007, OMIM 615010.

Submission:

Labcorp Genetics (formerly Invitae), Labcorp
Classification: Uncertain significance for Aicardi-Goutieres syndrome 6; Symmetrical dyschromatosis of extremities. Last evaluated: 2022-02-20. Review status: criteria provided, single submitter. Criteria: Invitae Variant Classification Sherloc (09022015). Collection method: clinical testing. Allele origin: germline.
Comment: This sequence change replaces lysine, which is basic and polar, with asparagine, which is neutral and polar, at codon 302 of the ADAR protein (p.Lys302Asn). In summary, the available evidence is currently insufficient to determine the role of this variant in disease. Therefore, it has been classified as a Variant of Uncertain Significance. Algorithms developed to predict the effect of missense changes on protein structure and function are either unavailable or do not agree on the potential impact of this missense change (SIFT: "Tolerated"; PolyPhen-2: "Possibly Damaging"; Align-GVGD: "Class C0"). This variant has not been reported in the literature in individuals affected with ADAR-related conditions. This variant is not present in population databases (gnomAD no frequency).

NM_001111.5(ADAR):c.906A>T (p.Lys302Asn)

Gene: ADAR (adenosine deaminase RNA specific; minus strand). Cytogenetic location: 1q21.3.
Variant type: single nucleotide variant.
Coding change: c.906A>T on transcript NM_001111.5 (MANE Select); coding-DNA position 906, A replaced by T.
Protein change: p.Lys302Asn; replaces lysine 302 with asparagine.
Molecular consequence: missense variant.
Genome position (GRCh38, 1-based): chr1:154,601,736, T>A on the plus strand (A>T on the coding strand, the complement: ADAR is on the minus strand). VCF-style: chr1-154601736-T-A. GRCh37 (hg19) VCF-style: chr1-154574212-T-A.
Other names: c.21A>T, p.Lys7Asn (NM_001025107.3, NM_001193495.2, NM_001365046.1 and 3 more transcripts); c.933A>T, p.Lys311Asn (NM_001365045.1); c.906A>T, p.Lys302Asn (NM_015840.4, NM_015841.4); short protein forms K302N, K7N, K311N.
Identifiers: ClinVar variation 2100504 (VCV002100504.4), dbSNP rs2526657096, ClinGen allele CA342599394.